The following is an entry in ClinVar:

NM_004360.5(CDH1):c.1686A>G (p.Thr562=)

Gene: CDH1 (cadherin 1; plus strand). Cytogenetic location: 16q22.1.
Variant type: single nucleotide variant.
Coding change: c.1686A>G on transcript NM_004360.5 (MANE Select); coding-DNA position 1686, A replaced by G.
Protein change: p.Thr562=; no amino-acid change (threonine 562 retained).
Molecular consequence: synonymous variant. On other transcripts: intron variant (1).
Genome position (GRCh38, 1-based): chr16:68,819,400, A>G. VCF-style: chr16-68819400-A-G. GRCh37 (hg19) VCF-style: chr16-68853303-A-G.
Other names: c.1503A>G, p.Thr501= (NM_001317184.2); c.138A>G, p.Thr46= (NM_001317185.2); c.-254-2601A>G (NM_001317186.2).
Identifiers: ClinVar variation 1146302 (VCV001146302.10), dbSNP rs2152136980, ClinGen allele CA496154415.

ClinVar aggregate classification (germline): Benign/Likely benign. Review status: criteria provided, multiple submitters, no conflicts (2 of 4 stars). 2 submissions from 2 submitters: Benign (1); Likely benign (1). Last evaluated 2024-09-19.

Conditions:
Hereditary diffuse gastric adenocarcinoma (HDGC). Also called: DIFFUSE GASTRIC AND LOBULAR BREAST CANCER SYNDROME. Identifiers: Orphanet 26106, MedGen C1708349, MONDO:0007648, OMIM 137215.

Submissions (2):

Myriad Genetics, Inc.
Classification: Benign for Hereditary diffuse gastric adenocarcinoma. Last evaluated: 2024-09-19. Review status: criteria provided, single submitter. Criteria: Myriad Autosomal Dominant, Autosomal Recessive and X-Linked Classification Criteria (2023). Collection method: clinical testing. Allele origin: unknown.
Comment: This variant is considered benign. This variant is a silent/synonymous amino acid change and it is not expected to impact splicing.

Labcorp Genetics (formerly Invitae), Labcorp
Classification: Likely benign for Hereditary diffuse gastric adenocarcinoma. Last evaluated: 2020-03-23. Review status: criteria provided, single submitter. Criteria: Invitae Variant Classification Sherloc (09022015). Collection method: clinical testing. Allele origin: germline.